The following is an entry in ClinVar:

NM_001148.6(ANK2):c.2869G>A (p.Val957Met)

Gene: ANK2 (ankyrin 2; plus strand). Cytogenetic location: 4q26.
Variant type: single nucleotide variant.
Coding change: c.2869G>A on transcript NM_001148.6 (MANE Select); coding-DNA position 2869, G replaced by A.
Protein change: p.Val957Met; replaces valine 957 with methionine.
Molecular consequence: missense variant.
Genome position (GRCh38, 1-based): chr4:113,318,589, G>A. VCF-style: chr4-113318589-G-A. GRCh37 (hg19) VCF-style: chr4-114239745-G-A.
Other names: c.2806G>A, p.Val936Met (NM_001127493.3, NM_001354243.2, NM_001354275.2 and 3 more transcripts); c.2881G>A, p.Val961Met (NM_001354225.2); c.2869G>A, p.Val957Met (NM_001354228.2, NM_001354232.2, NM_001354258.2 and 1 more transcripts); c.2911G>A, p.Val971Met (NM_001354230.2, NM_001354231.2, NM_001354237.2 and 1 more transcripts); c.2866G>A, p.Val956Met (NM_001354235.2, NM_001354236.2, NM_001354246.2 and 1 more transcripts); c.2803G>A, p.Val935Met (NM_001354239.2, NM_001354244.2, NM_001354272.2 and 3 more transcripts); c.2914G>A, p.Val972Met (NM_001354240.2, NM_001354241.2, NM_001386144.1); c.2770G>A, p.Val924Met (NM_001354268.2, NM_001354245.2); and 17 more; short protein forms V936M, V971M, V166M, V862M, V895M, V903M, V923M, V935M.
Identifiers: ClinVar variation 665234 (VCV000665234.12), dbSNP rs756861229, ClinGen allele CA3050693.
Genomic context (GRCh38, chr4:113,318,589, plus strand): 5'-GCCAAGGAGGCAGAAAGGAATTCTTATCGCCTAAGCTGGGGCACTGAGAACTTAGACAAC[G>A]TGGCTCTTTCTTCTAGTCCTATTCATTCAGGGTGAGTAAATCAATATTATGTATCCTGAT-3'
Protein context (NP_001139.3, residues 947-967): LSWGTENLDN[Val957Met]ALSSSPIHSG

ClinVar aggregate classification (germline): Conflicting classifications of pathogenicity. Review status: criteria provided, conflicting classifications (1 of 4 stars). 5 submissions from 5 submitters: Uncertain significance (3); Likely benign (2). Last evaluated 2024-11-25.

Conditions:
Cardiovascular phenotype. Identifiers: MedGen CN230736.
Long QT syndrome (LQTS). Identifiers: MedGen C0023976, MeSH D008133, MONDO:0002442. Disease mechanism: loss of function. Inheritance: Various modes of inheritance.
Cardiac arrhythmia, ankyrin-B-related. Also called: ANKYRIN-B SYNDROME. Identifiers: Orphanet 101016, Orphanet 768, MedGen C1970119, MONDO:0010958, OMIM 600919.

Allele frequency attached by ClinVar (database versions not stated): gnomAD 0.00002; gnomAD exomes 0.00003 and 0.00004; TOPMed 0.00003; ExAC 0.00004.
gnomAD v4.1: 43 of 1,613,370 alleles (0.0027%); highest among the groups gnomAD compares: South Asian, 0.014%; no homozygotes.

Submissions (5):

Labcorp Genetics (formerly Invitae), Labcorp
Classification: Uncertain significance for Long QT syndrome. Last evaluated: 2024-11-25. Review status: criteria provided, single submitter. Criteria: Invitae Variant Classification Sherloc (09022015). Collection method: clinical testing. Allele origin: germline.
Comment: This sequence change replaces valine, which is neutral and non-polar, with methionine, which is neutral and non-polar, at codon 957 of the ANK2 protein (p.Val957Met). This variant is present in population databases (rs756861229, gnomAD 0.01%). This variant has not been reported in the literature in individuals affected with ANK2-related conditions. ClinVar contains an entry for this variant (Variation ID: 665234). Invitae Evidence Modeling of protein sequence and biophysical properties (such as structural, functional, and spatial information, amino acid conservation, physicochemical variation, residue mobility, and thermodynamic stability) indicates that this missense variant is not expected to disrupt ANK2 protein function with a negative predictive value of 80%. In summary, the available evidence is currently insufficient to determine the role of this variant in disease. Therefore, it has been classified as a Variant of Uncertain Significance.

GeneDx
Classification: Uncertain significance. Last evaluated: 2024-11-19. Review status: criteria provided, single submitter. Criteria: GeneDx Variant Classification Process June 2021. Collection method: clinical testing. Allele origin: germline. Affected: yes.
Comment: In silico analysis supports that this missense variant has a deleterious effect on protein structure/function; Has not been previously published as pathogenic or benign to our knowledge

Women's Health and Genetics/Laboratory Corporation of America, LabCorp
Classification: Likely benign. Last evaluated: 2024-01-15. Review status: criteria provided, single submitter. Criteria: LabCorp Variant Classification Summary - May 2015. Collection method: clinical testing. Allele origin: germline.

Ambry Genetics
Classification: Likely benign for Cardiovascular phenotype. Last evaluated: 2023-05-30. Review status: criteria provided, single submitter. Criteria: Ambry Variant Classification Scheme 2023. Collection method: clinical testing. Allele origin: germline.

Fulgent Genetics
Classification: Uncertain significance for Cardiac arrhythmia, ankyrin-B-related. Last evaluated: 2021-08-06. Review status: criteria provided, single submitter. Criteria: ACMG Guidelines, 2015. Collection method: clinical testing. Allele origin: unknown.